The following is an entry in ClinVar:

NM_013266.4(CTNNA3):c.1556A>C (p.Asn519Thr)

Gene: CTNNA3 (catenin alpha 3; minus strand). Cytogenetic location: 10q21.3.
Variant type: single nucleotide variant.
Coding change: c.1556A>C on transcript NM_013266.4 (MANE Select); coding-DNA position 1556, A replaced by C.
Protein change: p.Asn519Thr; replaces asparagine 519 with threonine.
Molecular consequence: missense variant.
Genome position (GRCh38, 1-based): chr10:66,379,328, T>G on the plus strand (A>C on the coding strand, the complement: CTNNA3 is on the minus strand). VCF-style: chr10-66379328-T-G. GRCh37 (hg19) VCF-style: chr10-68139086-T-G.
Other names: c.1556A>C, p.Asn519Thr (NM_001127384.3); short protein forms N519T.
Identifiers: ClinVar variation 2697709 (VCV002697709.3), dbSNP rs2547059760, ClinGen allele CA377090554.
Genomic context (GRCh38, chr10:66,379,328, plus strand): 5'-GCACCCGCAGCACGGTCTAAATTATCAGCATCCTGGTCTCTTAAGGCTATGATACACTTG[T>G]TGACATCTTCCAAGATATGGCTTTCTGTAAGTAAATGAATCAAATTAGTTTTTGCGTGTG-3'
Protein context (NP_037398.2, residues 509-529): VSESHILEDV[Asn519Thr]KCIIALRDQD

ClinVar aggregate classification (germline): Uncertain significance (1 of 4 stars; one submission).

Conditions:
Arrhythmogenic right ventricular dysplasia 13. Also called: ARRHYTHMOGENIC RIGHT VENTRICULAR CARDIOMYOPATHY 13; Arrhythmogenic right ventricular dysplasia, familial, 13. Identifiers: MedGen C3810138, MONDO:0000908, OMIM 615616.

Submission:

Labcorp Genetics (formerly Invitae), Labcorp
Classification: Uncertain significance for Arrhythmogenic right ventricular dysplasia 13. Last evaluated: 2024-09-23. Review status: criteria provided, single submitter. Criteria: Invitae Variant Classification Sherloc (09022015). Collection method: clinical testing. Allele origin: germline.
Comment: This sequence change replaces asparagine, which is neutral and polar, with threonine, which is neutral and polar, at codon 519 of the CTNNA3 protein (p.Asn519Thr). This variant is not present in population databases (gnomAD no frequency). This variant has not been reported in the literature in individuals affected with CTNNA3-related conditions. Invitae Evidence Modeling of protein sequence and biophysical properties (such as structural, functional, and spatial information, amino acid conservation, physicochemical variation, residue mobility, and thermodynamic stability) indicates that this missense variant is not expected to disrupt CTNNA3 protein function with a negative predictive value of 80%. In summary, the available evidence is currently insufficient to determine the role of this variant in disease. Therefore, it has been classified as a Variant of Uncertain Significance.